The following is an entry in ClinVar:

NM_000063.6(C2):c.1846C>T (p.His616Tyr)

Gene: C2 (complement C2; plus strand). Cytogenetic location: 6p21.33.
Variant type: single nucleotide variant.
Coding change: c.1846C>T on transcript NM_000063.6 (MANE Select); coding-DNA position 1846, C replaced by T.
Protein change: p.His616Tyr; replaces histidine 616 with tyrosine.
Molecular consequence: missense variant.
Genome position (GRCh38, 1-based): chr6:31,944,170, C>T. VCF-style: chr6-31944170-C-T. GRCh37 (hg19) VCF-style: chr6-31911947-C-T.
Other names: c.1450C>T, p.His484Tyr (NM_001145903.3); c.1204C>T, p.His402Tyr (NM_001178063.3); c.1108C>T, p.His370Tyr (NM_001282457.2); c.1759C>T, p.His587Tyr (NM_001282458.2); short protein forms H370Y, H484Y, H616Y, H402Y, H587Y.
Identifiers: ClinVar variation 1345714 (VCV001345714.8), dbSNP rs2151773769, ClinGen allele CA363382830.
Genomic context (GRCh38, chr6:31,944,170, plus strand): 5'-CAACATCCCCTTCTCTTGACTATAGAGAATGAACTGCTGAACAAACAGAGTGTTCCTGCT[C>T]ATTTTGTCGCCTTGAATGGGAGCAAACTGAACATTAACCTTAAGATGGGAGTGGAGGTGA-3'
Protein context (NP_000054.2, residues 606-626): ELLNKQSVPA[His616Tyr]FVALNGSKLN

ClinVar aggregate classification (germline): Uncertain significance (1 of 4 stars; one submission).

Submission:

Labcorp Genetics (formerly Invitae), Labcorp
Classification: Uncertain significance. Last evaluated: 2024-09-05. Review status: criteria provided, single submitter. Criteria: Invitae Variant Classification Sherloc (09022015). Collection method: clinical testing. Allele origin: germline.
Comment: This sequence change replaces histidine, which is basic and polar, with tyrosine, which is neutral and polar, at codon 616 of the C2 protein (p.His616Tyr). This variant is not present in population databases (gnomAD no frequency). This variant has not been reported in the literature in individuals affected with C2-related conditions. ClinVar contains an entry for this variant (Variation ID: 1345714). Invitae Evidence Modeling of protein sequence and biophysical properties (such as structural, functional, and spatial information, amino acid conservation, physicochemical variation, residue mobility, and thermodynamic stability) indicates that this missense variant is not expected to disrupt C2 protein function with a negative predictive value of 80%. In summary, the available evidence is currently insufficient to determine the role of this variant in disease. Therefore, it has been classified as a Variant of Uncertain Significance.